The following is an entry in ClinVar:

ClinVar aggregate classification (germline): Pathogenic/Likely pathogenic. Review status: criteria provided, multiple submitters, no conflicts (2 of 4 stars). 2 submissions from 2 submitters: Pathogenic (1); Likely pathogenic (1). Last evaluated 2024-10-26.

Conditions:
Maple syrup urine disease type 1B (MSUD1B). Also called: MSUD type IB; MSUD type 3 (formerly); MSUD due to deficiency of e1-beta subunit of branched-chain alpha-keto acid dehydrogenase complex. Identifiers: MedGen C2930990, MONDO:0023692, OMIM 620698.
Maple syrup urine disease (MSUD). Identifiers: Orphanet 511, MedGen C0024776, MeSH D008375, MONDO:0009563. Disease mechanism: loss of function.

gnomAD v4.1: 2 of 1,602,610 alleles (0.00012%); highest among the groups gnomAD compares: African/African-American, 0.0013%; no homozygotes.

Submissions (2):

Natera, Inc.
Classification: Likely pathogenic for Maple syrup urine disease type 1B. Last evaluated: 2024-10-26. Review status: criteria provided, single submitter. Criteria: Natera Variant Classification Schema (03/2026). Collection method: clinical testing. Allele origin: germline.
Comment: The c.196G>T variant in BCKDHB is a missense variant predicted to cause substitution of glycine to tryptophan at amino acid 66. This variant is rare in the general population with a frequency below the threshold expected for the associated phenotype(s). This variant has been observed in one or more individuals affected with the associated recessive disease, as either homozygous or compound heterozygous with a second variant (PMID: 30228974, 31980395). This variant has been identified in one or more affected individual with a phenotype highly consistent with the associated gene (PMID: 30228974, 31980395). Computational prediction algorithms indicate this variant is likely to affect gene or protein function. Given the available evidence, this variant is classified as Likely Pathogenic.

Labcorp Genetics (formerly Invitae), Labcorp
Classification: Pathogenic for Maple syrup urine disease. Last evaluated: 2020-07-15. Review status: criteria provided, single submitter. Criteria: Invitae Variant Classification Sherloc (09022015). Collection method: clinical testing. Allele origin: germline.
Comment: This variant disrupts the c.196G nucleotide in the BCKDHB gene. Other variant(s) that disrupt this nucleotide have been determined to be pathogenic (PMID: 28417071). This suggests that this nucleotide is clinically significant, and that variants that disrupt this position are likely to be disease-causing. Nucleotide substitutions within the consensus splice site are a relatively common cause of aberrant splicing (PMID: 17576681, 9536098). Algorithms developed to predict the effect of sequence changes on RNA splicing suggest that this variant may disrupt the consensus splice site, but this prediction has not been confirmed by published transcriptional studies. Algorithms developed to predict the effect of missense changes on protein structure and function are either unavailable or do not agree on the potential impact of this missense change (SIFT: "Deleterious"; PolyPhen-2: "Possibly Damaging"; Align-GVGD: "Class C0"). This variant has been observed in individuals with maple syrup urine disease (PMID: 30228974, Invitae). In at least one individual the data is consistent with the variant being in trans (on the opposite chromosome) from a pathogenic variant. This variant is not present in population databases (ExAC no frequency). This sequence change replaces glycine with tryptophan at codon 66 of the BCKDHB protein (p.Gly66Trp). The glycine residue is moderately conserved and there is a large physicochemical difference between glycine and tryptophan. This variant also falls at the last nucleotide of exon 1 of the BCKDHB coding sequence, which is part of the consensus splice site for this exon. For these reasons, this variant has been classified as Pathogenic.

Literature cited by the submitters: PubMed 30228974 (cited by Natera, Inc. and Labcorp Genetics (formerly Invitae), Labcorp); PubMed 31980395 (cited by Natera, Inc.); PubMed 28417071 (cited by Labcorp Genetics (formerly Invitae), Labcorp); PubMed 17576681 (cited by Labcorp Genetics (formerly Invitae), Labcorp); PubMed 9536098 (cited by Labcorp Genetics (formerly Invitae), Labcorp).

NM_183050.4(BCKDHB):c.196G>T (p.Gly66Trp)

Gene: BCKDHB (branched chain keto acid dehydrogenase E1 subunit beta; plus strand). Cytogenetic location: 6q14.1.
Variant type: single nucleotide variant.
Coding change: c.196G>T on transcript NM_183050.4 (MANE Select); coding-DNA position 196, G replaced by T.
Protein change: p.Gly66Trp; replaces glycine 66 with tryptophan.
Molecular consequence: missense variant. On other transcripts: non-coding transcript variant (1), intron variant (1).
Genome position (GRCh38, 1-based): chr6:80,106,889, G>T. VCF-style: chr6-80106889-G-T. GRCh37 (hg19) VCF-style: chr6-80816606-G-T.
Other names: c.196G>T, p.Gly66Trp (NM_000056.5); c.-15+206G>T (NM_001318975.1); c.196G>T (NM_183050.3); short protein forms G66W.
Identifiers: ClinVar variation 664073 (VCV000664073.9), dbSNP rs1328608014, ClinGen allele CA364658457.